The following is an entry in ClinVar:

ClinVar aggregate classification (germline): Uncertain significance (1 of 4 stars; one submission).

Submission:

Ambry Genetics
Classification: Uncertain significance. Last evaluated: 2024-02-12. Review status: criteria provided, single submitter. Criteria: Ambry Variant Classification Scheme 2023. Collection method: clinical testing. Allele origin: germline.
Comment: The p.L972F variant (also known as c.2916G>T), located in coding exon 1 of the MLH3 gene, results from a G to T substitution at nucleotide position 2916. The leucine at codon 972 is replaced by phenylalanine, an amino acid with highly similar properties. This amino acid position is conserved. In addition, this alteration is predicted to be tolerated by in silico analysis. Based on the available evidence, the clinical significance of this alteration remains unclear.

NM_001040108.2(MLH3):c.2916G>T (p.Leu972Phe)

Gene: MLH3 (mutL homolog 3; minus strand). Cytogenetic location: 14q24.3.
Variant type: single nucleotide variant.
Coding change: c.2916G>T on transcript NM_001040108.2 (MANE Select); coding-DNA position 2916, G replaced by T.
Protein change: p.Leu972Phe; replaces leucine 972 with phenylalanine.
Molecular consequence: missense variant.
Genome position (GRCh38, 1-based): chr14:75,046,740, C>A on the plus strand (G>T on the coding strand, the complement: MLH3 is on the minus strand). VCF-style: chr14-75046740-C-A. GRCh37 (hg19) VCF-style: chr14-75513443-C-A.
Other names: c.2916G>T, p.Leu972Phe (NM_014381.3); short protein forms L972F.
Identifiers: ClinVar variation 3232508 (VCV003232508.1), dbSNP rs1339430285, ClinGen allele CA390437539.
Genomic context (GRCh38, chr14:75,046,740, plus strand): 5'-TTCTGAGGCTCTGATAAGAACATCTGAATCTTTACCGGTAACTTTAGAATTATTATAGGG[C>A]AATACCAAAGGAGTTTCTGATATCACACAGTTCTCTGTTGTATTGCTGTTAGAATGTGTT-3'
Protein context (NP_001035197.1, residues 962-982): NCVISETPLV[Leu972Phe]PYNNSKVTGK